The following is an entry in ClinVar:

NM_001267550.2(TTN):c.105531G>A (p.Val35177=)

Genes: TTN (titin; minus strand), TTN-AS1 (TTN antisense RNA 1; plus strand), LOC129935184 (ATAC-STARR-seq lymphoblastoid active region 16809; plus strand). Cytogenetic location: 2q31.2.
Variant type: single nucleotide variant.
Coding change: c.105531G>A on transcript NM_001267550.2 (MANE Select); coding-DNA position 105531, G replaced by A.
Protein change: p.Val35177=; no amino-acid change (valine 35177 retained).
Molecular consequence: synonymous variant.
Genome position (GRCh38, 1-based): chr2:178,531,084, C>T on the plus strand (G>A on the coding strand, the complement: TTN is on the minus strand). VCF-style: chr2-178531084-C-T. GRCh37 (hg19) VCF-style: chr2-179395811-C-T.
Other names: c.100608G>A, p.Val33536= (NM_001256850.1); c.78336G>A, p.Val26112= (NM_003319.4); c.78711G>A, p.Val26237= (NM_133432.3); c.78912G>A, p.Val26304= (NM_133437.4); c.97827G>A, p.Val32609= (NM_133378.4).
Identifiers: ClinVar variation 180065 (VCV000180065.7), dbSNP rs727505323, ClinGen allele CA185735.

ClinVar aggregate classification (germline): Likely benign. Review status: criteria provided, multiple submitters, no conflicts (2 of 4 stars). 2 submissions from 2 submitters: Likely benign (2). Last evaluated 2024-12-27.

Conditions:
Dilated cardiomyopathy 1G (CMD1G). Identifiers: Orphanet 154, MedGen C1858763, MONDO:0011400, OMIM 604145.
Autosomal recessive limb-girdle muscular dystrophy type 2J (LGMDR10). Also called: Limb-girdle muscular dystrophy, type 2J; MUSCULAR DYSTROPHY, LIMB-GIRDLE, AUTOSOMAL RECESSIVE 10. Identifiers: Orphanet 140922, MedGen C1837342, MONDO:0012127, OMIM 608807.

Allele frequency attached by ClinVar (database versions not stated): gnomAD exomes below 0.00001; TOPMed below 0.00001; gnomAD 0.00001.
gnomAD v4.1: 2 of 1,613,856 alleles (0.00012%); highest among the groups gnomAD compares: Non-Finnish European, 0.00017%; no homozygotes.

Submissions (2):

Labcorp Genetics (formerly Invitae), Labcorp
Classification: Likely benign for Dilated cardiomyopathy 1G; Autosomal recessive limb-girdle muscular dystrophy type 2J. Last evaluated: 2024-12-27. Review status: criteria provided, single submitter. Criteria: Invitae Variant Classification Sherloc (09022015). Collection method: clinical testing. Allele origin: germline.

Laboratory for Molecular Medicine, Mass General Brigham Personalized Medicine
Classification: Likely benign. Last evaluated: 2014-10-22. Review status: criteria provided, single submitter. Criteria: LMM Criteria. Collection method: clinical testing. Allele origin: germline. Observed: 1 variant allele.
Comment: p.Val32609Val in exon 307 of TTN: This variant is not expected to have clinical significance because it does not alter an amino acid residue and is not located within the splice consensus sequence.